The following is an entry in ClinVar:

NM_001365536.1(SCN9A):c.3365C>T (p.Ser1122Leu)

Genes: SCN9A (sodium voltage-gated channel alpha subunit 9; minus strand), SCN1A-AS1 (SCN1A and SCN9A antisense RNA 1; plus strand). Cytogenetic location: 2q24.3.
Variant type: single nucleotide variant.
Coding change: c.3365C>T on transcript NM_001365536.1 (MANE Select); coding-DNA position 3365, C replaced by T.
Protein change: p.Ser1122Leu; replaces serine 1122 with leucine.
Molecular consequence: missense variant. On other transcripts: non-coding transcript variant (1).
Genome position (GRCh38, 1-based): chr2:166,251,872, G>A on the plus strand (C>T on the coding strand, the complement: SCN9A is on the minus strand). VCF-style: chr2-166251872-G-A. GRCh37 (hg19) VCF-style: chr2-167108382-G-A.
Other names: c.3332C>T, p.Ser1111Leu (NM_002977.4); short protein forms S1111L, S1122L.
Identifiers: ClinVar variation 1421528 (VCV001421528.6), dbSNP rs2106426541, ClinGen allele CA349072141.

ClinVar aggregate classification (germline): Uncertain significance (1 of 4 stars; one submission).

Conditions:
Generalized epilepsy with febrile seizures plus, type 7 (GEFSP7). Also called: GEFS+, TYPE 7. Identifiers: Orphanet 36387, MedGen C2751778, MONDO:0013470, OMIM 613863.
Neuropathy, hereditary sensory and autonomic, type 2A (HSAN2A). Also called: ACROOSTEOLYSIS, GIACCAI TYPE; ACROOSTEOLYSIS, NEUROGENIC; MORVAN DISEASE; WNK1-Related HSAN2 (HSAN2A); NEUROPATHY, CONGENITAL SENSORY; NEUROPATHY, HEREDITARY SENSORY RADICULAR, AUTOSOMAL RECESSIVE. Identifiers: Orphanet 970, MedGen C2752089, MONDO:0024309, OMIM 201300.

Allele frequency attached by ClinVar (database versions not stated): gnomAD exomes below 0.00001.
gnomAD v4.1: 1 of 1,612,288 alleles (0.000062%); highest among the groups gnomAD compares: Admixed American, 0.0017%; no homozygotes.

Submission:

Labcorp Genetics (formerly Invitae), Labcorp
Classification: Uncertain significance for Neuropathy, hereditary sensory and autonomic, type 2A; Generalized epilepsy with febrile seizures plus, type 7. Last evaluated: 2024-06-24. Review status: criteria provided, single submitter. Criteria: Invitae Variant Classification Sherloc (09022015). Collection method: clinical testing. Allele origin: germline.
Comment: This sequence change replaces serine, which is neutral and polar, with leucine, which is neutral and non-polar, at codon 1111 of the SCN9A protein (p.Ser1111Leu). This variant is not present in population databases (gnomAD no frequency). This variant has not been reported in the literature in individuals affected with SCN9A-related conditions. ClinVar contains an entry for this variant (Variation ID: 1421528). Advanced modeling of protein sequence and biophysical properties (such as structural, functional, and spatial information, amino acid conservation, physicochemical variation, residue mobility, and thermodynamic stability) performed at Invitae indicates that this missense variant is not expected to disrupt SCN9A protein function with a negative predictive value of 95%. In summary, the available evidence is currently insufficient to determine the role of this variant in disease. Therefore, it has been classified as a Variant of Uncertain Significance.